The following is an entry in ClinVar:

NM_198904.4(GABRG2):c.1006G>A (p.Asp336Asn)

Gene: GABRG2 (gamma-aminobutyric acid type A receptor subunit gamma2; plus strand). Cytogenetic location: 5q34.
Variant type: single nucleotide variant.
Coding change: c.1006G>A on transcript NM_198904.4 (MANE Select); coding-DNA position 1006, G replaced by A.
Protein change: p.Asp336Asn; replaces aspartic acid 336 with asparagine.
Molecular consequence: missense variant. On other transcripts: intron variant (1).
Genome position (GRCh38, 1-based): chr5:162,149,191, G>A. VCF-style: chr5-162149191-G-A. GRCh37 (hg19) VCF-style: chr5-161576197-G-A.
Other names: c.1006G>A, p.Asp336Asn (NM_000816.3); c.997G>A, p.Asp333Asn (NM_001375339.1); c.1003G>A, p.Asp335Asn (NM_001375341.1, NM_001375342.1); c.1126G>A, p.Asp376Asn (NM_001375343.1, NM_198903.2); c.1045G>A, p.Asp349Asn (NM_001375344.1); c.940G>A, p.Asp314Asn (NM_001375345.1, NM_001375346.1); c.919G>A, p.Asp307Asn (NM_001375347.1); c.586G>A, p.Asp196Asn (NM_001375348.1, NM_001375350.1); and 2 more; short protein forms D196N, D241N, D307N, D314N, D333N, D335N, D336N, D349N.
Identifiers: ClinVar variation 3253242 (VCV003253242.1), dbSNP rs2532756452.

ClinVar aggregate classification (germline): Uncertain significance (1 of 4 stars; one submission).

Submission:

GeneDx
Classification: Uncertain significance. Last evaluated: 2023-12-11. Review status: criteria provided, single submitter. Criteria: GeneDx Variant Classification Process June 2021. Collection method: clinical testing. Allele origin: germline. Affected: yes.
Comment: Has not been previously published as pathogenic or benign to our knowledge; Not observed at significant frequency in large population cohorts (gnomAD); In silico analysis supports that this missense variant has a deleterious effect on protein structure/function